The following is an entry in ClinVar:

ClinVar aggregate classification (germline): Uncertain significance (1 of 4 stars; one submission).

Submission:

GeneDx
Classification: Uncertain significance. Last evaluated: 2025-11-08. Review status: criteria provided, single submitter. Criteria: GeneDx Variant Classification Process June 2021. Collection method: clinical testing. Allele origin: germline.
Comment: Not observed at significant frequency in large population cohorts (gnomAD); In silico analysis supports that this missense variant has a deleterious effect on protein structure/function; Has not been previously published as pathogenic or benign to our knowledge

NM_015192.4(PLCB1):c.2468G>A (p.Arg823Lys)

Gene: PLCB1 (phospholipase C beta 1; plus strand). Cytogenetic location: 20p12.3.
Variant type: single nucleotide variant.
Coding change: c.2468G>A on transcript NM_015192.4 (MANE Select); coding-DNA position 2468, G replaced by A.
Protein change: p.Arg823Lys; replaces arginine 823 with lysine.
Molecular consequence: missense variant.
Genome position (GRCh38, 1-based): chr20:8,741,518, G>A. VCF-style: chr20-8741518-G-A. GRCh37 (hg19) VCF-style: chr20-8722165-G-A.
Other names: c.2468G>A, p.Arg823Lys (NM_182734.3); short protein forms R823K.
Identifiers: ClinVar variation 2504786 (VCV002504786.2), dbSNP rs2515305809, ClinGen allele CA408208329.